The following is an entry in ClinVar:

ClinVar aggregate classification (germline): Likely benign (1 of 4 stars; one submission).

Allele frequency attached by ClinVar (database versions not stated): gnomAD exomes below 0.00001.
gnomAD v4.1: 2 of 1,019,820 alleles (0.0002%); highest among the groups gnomAD compares: Non-Finnish European, 0.0003%; no homozygotes.

Submission:

GeneDx
Classification: Likely benign. Last evaluated: 2017-04-26. Review status: criteria provided, single submitter. Criteria: GeneDx Variant Classification (06012015). Collection method: clinical testing. Allele origin: germline. Affected: yes.
Comment: This variant is considered likely benign or benign based on one or more of the following criteria: it is a conservative change, it occurs at a poorly conserved position in the protein, it is predicted to be benign by multiple in silico algorithms, and/or has population frequency not consistent with disease.

NM_016013.4(NDUFAF1):c.-81-8T>C

Gene: NDUFAF1 (NADH:ubiquinone oxidoreductase complex assembly factor 1; minus strand). Cytogenetic location: 15q15.1.
Variant type: single nucleotide variant.
Coding change: c.-81-8T>C on transcript NM_016013.4 (MANE Select); 8 bases into the intron before 81 bases upstream of the start codon, T replaced by C.
Molecular consequence: intron variant.
Genome position (GRCh38, 1-based): chr15:41,397,148, A>G on the plus strand (T>C on the coding strand, the complement: NDUFAF1 is on the minus strand). VCF-style: chr15-41397148-A-G. GRCh37 (hg19) VCF-style: chr15-41689346-A-G.
Identifiers: ClinVar variation 508972 (VCV000508972.1), dbSNP rs1555382949, ClinGen allele CA658798304.